The following is an entry in ClinVar:

ClinVar aggregate classification (germline): Uncertain significance. Review status: criteria provided, multiple submitters, no conflicts (2 of 4 stars). 2 submissions from 2 submitters: Uncertain significance (2). Last evaluated 2026-08-24.

Conditions:
Recombinase activating gene 2 deficiency. Also called: RAG2 deficiency. Identifiers: MedGen CN257931, MONDO:0000573.
Severe combined immunodeficiency, autosomal recessive, T cell-negative, B cell-negative, NK cell-positive. Also called: SCID, AR, T-cell negative, B-cell negative, NK cell-positive; Severe combined immunodeficiency due to complete RAG1/2 deficiency; SCID, T CELL-NEGATIVE, B CELL-NEGATIVE, NK CELL-POSITIVE. Identifiers: Orphanet 331206, MedGen C1832322, MONDO:0011086, OMIM 601457.
Combined immunodeficiency with skin granulomas. Identifiers: Orphanet 157949, MedGen C2673536, MONDO:0009306, OMIM 233650.

Submissions (2):

Myriad Genetics, Inc.
Classification: Uncertain significance for Recombinase activating gene 2 deficiency. Last evaluated: 2026-08-24. Review status: criteria provided, single submitter. Criteria: Myriad Autosomal Dominant, Autosomal Recessive and X-Linked Classification Criteria (2023). Collection method: clinical testing. Allele origin: unknown.
Comment: NM_001243785.1(RAG2):c.1531G>T(G511*) is a nonsense variant classified as a variant of uncertain significance in the context of severe combined immunodeficiency, RAG2-related. G511* has not been observed in cases with relevant disease. Relevant functional assessments of this variant are not available in the literature. G511* has not been observed in referenced population frequency databases. In summary, there is insufficient evidence to classify NM_001243785.1(RAG2):c.1531G>T(G511*) as pathogenic or benign. Please note: this variant was assessed in the context of healthy population screening.

Labcorp Genetics (formerly Invitae), Labcorp
Classification: Uncertain significance for Combined immunodeficiency with skin granulomas; Severe combined immunodeficiency, autosomal recessive, T cell-negative, B cell-negative, NK cell-positive. Last evaluated: 2024-02-17. Review status: criteria provided, single submitter. Criteria: Invitae Variant Classification Sherloc (09022015). Collection method: clinical testing. Allele origin: germline.
Comment: This sequence change creates a premature translational stop signal (p.Gly511*) in the RAG2 gene. While this is not anticipated to result in nonsense mediated decay, it is expected to disrupt the last 17 amino acid(s) of the RAG2 protein. This variant is not present in population databases (gnomAD no frequency). This variant has not been reported in the literature in individuals affected with RAG2-related conditions. ClinVar contains an entry for this variant (Variation ID: 1052226). Experimental studies and prediction algorithms are not available or were not evaluated, and the functional significance of this variant is currently unknown. In summary, the available evidence is currently insufficient to determine the role of this variant in disease. Therefore, it has been classified as a Variant of Uncertain Significance.

NM_000536.4(RAG2):c.1531G>T (p.Gly511Ter)

Gene: RAG2 (recombination activating 2; minus strand). Cytogenetic location: 11p12.
Variant type: single nucleotide variant.
Coding change: c.1531G>T on transcript NM_000536.4 (MANE Select); coding-DNA position 1531, G replaced by T.
Protein change: p.Gly511Ter; replaces glycine 511 with a stop codon.
Molecular consequence: nonsense.
Genome position (GRCh38, 1-based): chr11:36,592,638, C>A on the plus strand (G>T on the coding strand, the complement: RAG2 is on the minus strand). VCF-style: chr11-36592638-C-A. GRCh37 (hg19) VCF-style: chr11-36614188-C-A.
Other names: c.1531G>T, p.Gly511Ter (NM_001243785.2, NM_001243786.2); short protein forms G511*.
Identifiers: ClinVar variation 1052226 (VCV001052226.4), dbSNP rs757841294, ClinGen allele CA380140162.